The following is an entry in ClinVar:

ClinVar aggregate classification (germline): Likely pathogenic. Review status: criteria provided, single submitter (1 of 4 stars). 2 submissions from 2 submitters: Likely pathogenic (1). 1 of the submissions does not count toward it. Last evaluated 2022-04-29.

Conditions:
Pheochromocytoma/paraganglioma syndrome 1. Also called: PARAGANGLIOMATA; PARAGANGLIOMAS, FAMILIAL NONCHROMAFFIN, 1; PGL 1; Paragangliomas familial 1; Paraganglioma - glomus jugulare; SDHD-Related Hereditary Paraganglioma-Pheochromocytoma Syndrome. Identifiers: Orphanet 29072, MedGen C3494181, MONDO:0008192, OMIM 168000.

Submissions (2):

MGZ Medical Genetics Center
Classification: Likely pathogenic for Pheochromocytoma/paraganglioma syndrome 1. Last evaluated: 2022-04-29. Review status: criteria provided, single submitter. Criteria: ACMG Guidelines, 2015. Collection method: clinical testing. Allele origin: germline. Affected: yes. Observed: 2 variant alleles.
Comment: ACMG criteria applied: PVS1_STR, PS4_SUP, PM2_SUP

OMIM
Classification: Pathogenic for PHEOCHROMOCYTOMA/PARAGANGLIOMA SYNDROME 1. Last evaluated: 2001-05-15. Review status: no assertion criteria provided. Collection method: literature only. Allele origin: germline. Not counted in ClinVar's aggregate classification.

Literature cited by the submitters: PubMed 11343322 (cited by OMIM).

NM_003002.4(SDHD):c.443del (p.Gly148fs)

Gene: SDHD (succinate dehydrogenase complex subunit D; plus strand). Cytogenetic location: 11q23.1.
Variant type: Deletion.
Coding change: c.443del on transcript NM_003002.4 (MANE Select); coding-DNA position 443, one base deleted (G; older notation c.443delG).
Protein change: p.Gly148fs; shifts the reading frame from glycine 148.
Molecular consequence: frameshift variant. On other transcripts: 3 prime UTR variant (2), non-coding transcript variant (1).
Genome position (GRCh38, 1-based): chr11:112,094,933, G deleted; the last of 3 consecutive G bases (chr11:112,094,931-112,094,933); deleting any one gives the same sequence. VCF-style (leftmost placement, unchanged base first): chr11-112094930-TG-T. GRCh37 (hg19) VCF-style: chr11-111965654-TG-T.
Other names: c.*40del (NM_001276503.2); c.326del, p.Gly109fs (NM_001276504.2); c.*141del (NM_001276506.2); short protein forms G148fs, G109fs.
Identifiers: ClinVar variation 6902 (VCV000006902.7), dbSNP rs587776646, ClinGen allele CA017041.
Genomic context (GRCh38, chr11:112,094,930, plus strand): 5'-GGCTTTTGGCACTTTCAGCTTTAACCTTTGCTGGGCTTTGCTATTTCAACTATCACGATG[TG>T]GGCATCTGCAAAGCTGTTGCCATGCTGTGGAAGCTCTGACCTTTTTGACTTCATACTTTG-3'